The following is an entry in ClinVar:

ClinVar aggregate classification (germline): Uncertain significance (1 of 4 stars; one submission).

Submission:

Labcorp Genetics (formerly Invitae), Labcorp
Classification: Uncertain significance. Last evaluated: 2023-08-25. Review status: criteria provided, single submitter. Criteria: Invitae Variant Classification Sherloc (09022015). Collection method: clinical testing. Allele origin: germline.
Comment: In summary, the available evidence is currently insufficient to determine the role of this variant in disease. Therefore, it has been classified as a Variant of Uncertain Significance. Advanced modeling of protein sequence and biophysical properties (such as structural, functional, and spatial information, amino acid conservation, physicochemical variation, residue mobility, and thermodynamic stability) performed at Invitae indicates that this missense variant is not expected to disrupt MYH9 protein function. This variant has not been reported in the literature in individuals affected with MYH9-related conditions. This variant is not present in population databases (gnomAD no frequency). This sequence change replaces tyrosine, which is neutral and polar, with histidine, which is basic and polar, at codon 300 of the MYH9 protein (p.Tyr300His).

NM_002473.6(MYH9):c.898T>C (p.Tyr300His)

Gene: MYH9 (myosin heavy chain 9; minus strand). Cytogenetic location: 22q12.3.
Variant type: single nucleotide variant.
Coding change: c.898T>C on transcript NM_002473.6 (MANE Select); coding-DNA position 898, T replaced by C.
Protein change: p.Tyr300His; replaces tyrosine 300 with histidine.
Molecular consequence: missense variant.
Genome position (GRCh38, 1-based): chr22:36,320,334, A>G on the plus strand (T>C on the coding strand, the complement: MYH9 is on the minus strand). VCF-style: chr22-36320334-A-G. GRCh37 (hg19) VCF-style: chr22-36716379-A-G.
Other names: short protein forms Y300H.
Identifiers: ClinVar variation 2755169 (VCV002755169.3), dbSNP rs2517993999, ClinGen allele CA411405278.